The following is an entry in ClinVar:

ClinVar aggregate classification (germline): Uncertain significance (1 of 4 stars; one submission).

gnomAD v4.1: 1 of 1,614,006 alleles (0.000062%); highest among the groups gnomAD compares: Non-Finnish European, 0.000085%; no homozygotes.

Submission:

Labcorp Genetics (formerly Invitae), Labcorp
Classification: Uncertain significance. Last evaluated: 2026-01-27. Review status: criteria provided, single submitter. Criteria: Invitae Variant Classification Sherloc (09022015). Collection method: clinical testing. Allele origin: germline.
Comment: This sequence change replaces arginine, which is basic and polar, with glycine, which is neutral and non-polar, at codon 247 of the NEDD4L protein (p.Arg247Gly). This variant is not present in population databases (gnomAD no frequency). This variant has not been reported in the literature in individuals affected with NEDD4L-related conditions. Invitae Evidence Modeling of protein sequence and biophysical properties (such as structural, functional, and spatial information, amino acid conservation, physicochemical variation, residue mobility, and thermodynamic stability) indicates that this missense variant is not expected to disrupt NEDD4L protein function with a negative predictive value of 80%. In summary, the available evidence is currently insufficient to determine the role of this variant in disease. Therefore, it has been classified as a Variant of Uncertain Significance.

NM_001144967.3(NEDD4L):c.739C>G (p.Arg247Gly)

Gene: NEDD4L (NEDD4 like E3 ubiquitin protein ligase; plus strand). Cytogenetic location: 18q21.31.
Variant type: single nucleotide variant.
Coding change: c.739C>G on transcript NM_001144967.3 (MANE Select); coding-DNA position 739, C replaced by G.
Protein change: p.Arg247Gly; replaces arginine 247 with glycine.
Molecular consequence: missense variant.
Genome position (GRCh38, 1-based): chr18:58,329,053, C>G. VCF-style: chr18-58329053-C-G. GRCh37 (hg19) VCF-style: chr18-55996285-C-G.
Other names: c.376C>G, p.Arg126Gly (NM_001144964.1, NM_001144965.2, NM_001144966.3 and 2 more transcripts); c.715C>G, p.Arg239Gly (NM_001144968.2, NM_001144969.2); c.739C>G, p.Arg247Gly (NM_001243960.2, NM_015277.6); c.1576C>G, p.Arg526Gly (NM_001437337.1); short protein forms R247G, R526G, R126G, R239G.
Identifiers: ClinVar variation 4745961 (VCV004745961.1).